The following is an entry in ClinVar:

ClinVar aggregate classification (germline): Uncertain significance (1 of 4 stars; one submission).

Conditions:
Polyhydramnios, megalencephaly, and symptomatic epilepsy (PMSE). Also called: PMSE SYNDROME. Identifiers: Orphanet 500533, MedGen C1970203, MONDO:0012611, OMIM 611087.

Allele frequency attached by ClinVar (database versions not stated): gnomAD exomes below 0.00001.
gnomAD v4.1: 2 of 1,613,670 alleles (0.00012%); highest among the groups gnomAD compares: Non-Finnish European, 0.00017%; no homozygotes.

Submission:

Labcorp Genetics (formerly Invitae), Labcorp
Classification: Uncertain significance for Polyhydramnios, megalencephaly, and symptomatic epilepsy. Last evaluated: 2019-02-23. Review status: criteria provided, single submitter. Criteria: Invitae Variant Classification Sherloc (09022015). Collection method: clinical testing. Allele origin: germline.
Comment: In summary, the available evidence is currently insufficient to determine the role of this variant in disease. Therefore, it has been classified as a Variant of Uncertain Significance. Algorithms developed to predict the effect of sequence changes on RNA splicing suggest that this variant may create or strengthen a splice site, but this prediction has not been confirmed by published transcriptional studies. Algorithms developed to predict the effect of missense changes on protein structure and function (SIFT, PolyPhen-2, Align-GVGD) all suggest that this variant is likely to be tolerated, but these predictions have not been confirmed by published functional studies and their clinical significance is uncertain. This variant has not been reported in the literature in individuals with STRADA-related conditions. This variant is not present in population databases (ExAC no frequency). This sequence change replaces glutamic acid with valine at codon 57 of the STRADA protein (p.Glu57Val). The glutamic acid residue is weakly conserved and there is a moderate physicochemical difference between glutamic acid and valine.

NM_001003787.4(STRADA):c.170A>T (p.Glu57Val)

Gene: STRADA (STE20 related adaptor alpha; minus strand). Cytogenetic location: 17q23.3.
Variant type: single nucleotide variant.
Coding change: c.170A>T on transcript NM_001003787.4 (MANE Select); coding-DNA position 170, A replaced by T.
Protein change: p.Glu57Val; replaces glutamic acid 57 with valine.
Molecular consequence: missense variant. On other transcripts: 5 prime UTR variant (3), non-coding transcript variant (1), intron variant (1).
Genome position (GRCh38, 1-based): chr17:63,714,062, T>A on the plus strand (A>T on the coding strand, the complement: STRADA is on the minus strand). VCF-style: chr17-63714062-T-A. GRCh37 (hg19) VCF-style: chr17-61791422-T-A.
Other names: c.59A>T, p.Glu20Val (NM_001003786.3, NM_001363789.1, NM_153335.6); c.-5A>T (NM_001003788.3, NM_001363790.1, NM_001363791.1); c.83A>T, p.Glu28Val (NM_001165969.2, NM_001363787.1); c.146A>T, p.Glu49Val (NM_001363786.1); c.170A>T, p.Glu57Val (NM_001363788.1); c.95-535A>T (NM_001165970.2); short protein forms E28V, E49V, E57V, E20V.
Identifiers: ClinVar variation 847603 (VCV000847603.9), dbSNP rs2036687318, ClinGen allele CA400594260.